The following is an entry in ClinVar:

NM_181712.5(KANK4):c.503C>T (p.Thr168Met)

Gene: KANK4 (KN motif and ankyrin repeat domains 4; minus strand). Cytogenetic location: 1p31.3.
Variant type: single nucleotide variant.
Coding change: c.503C>T on transcript NM_181712.5 (MANE Select); coding-DNA position 503, C replaced by T.
Protein change: p.Thr168Met; replaces threonine 168 with methionine.
Molecular consequence: missense variant. On other transcripts: intron variant (1).
Genome position (GRCh38, 1-based): chr1:62,274,601, G>A on the plus strand (C>T on the coding strand, the complement: KANK4 is on the minus strand). VCF-style: chr1-62274601-G-A. GRCh37 (hg19) VCF-style: chr1-62740273-G-A.
Other names: c.17-3012C>T (NM_001320269.2); short protein forms T168M.
Identifiers: ClinVar variation 2178994 (VCV002178994.4), dbSNP rs184372289, ClinGen allele CA884560.

ClinVar aggregate classification (germline): Uncertain significance (1 of 4 stars; one submission).

Allele frequency attached by ClinVar (database versions not stated): ExAC 0.00002; gnomAD exomes 0.00002; TOPMed 0.00003; gnomAD 0.00004; 1000 Genomes Project 30x 0.00016; 1000 Genomes Project 0.00020.

Submission:

Labcorp Genetics (formerly Invitae), Labcorp
Classification: Uncertain significance. Last evaluated: 2022-09-20. Review status: criteria provided, single submitter. Criteria: Invitae Variant Classification Sherloc (09022015). Collection method: clinical testing. Allele origin: germline.
Comment: Algorithms developed to predict the effect of missense changes on protein structure and function are either unavailable or do not agree on the potential impact of this missense change (SIFT: "Deleterious"; PolyPhen-2: "Probably Damaging"; Align-GVGD: "Class C0"). In summary, the available evidence is currently insufficient to determine the role of this variant in disease. Therefore, it has been classified as a Variant of Uncertain Significance. This variant has not been reported in the literature in individuals affected with KANK4-related conditions. This variant is present in population databases (rs184372289, gnomAD 0.01%). This sequence change replaces threonine, which is neutral and polar, with methionine, which is neutral and non-polar, at codon 168 of the KANK4 protein (p.Thr168Met).